The following is an entry in ClinVar:

ClinVar aggregate classification (germline): Likely benign (1 of 4 stars; one submission).

Conditions:
SEMA3C-related disorder. Also called: SEMA3C-related condition.

gnomAD v4.1: 12 of 1,613,716 alleles (0.00074%); highest among the groups gnomAD compares: South Asian, 0.0033%; no homozygotes.

Submission:

PreventionGenetics, part of Exact Sciences
Classification: Likely benign for SEMA3C-related condition. Last evaluated: 2025-05-21. Review status: criteria provided, single submitter. Criteria: ACMG Guidelines, 2015. Collection method: clinical testing. Allele origin: germline.
Comment: This variant is classified as likely benign based on ACMG/AMP sequence variant interpretation guidelines (Richards et al. 2015 PMID: 25741868, with internal and published modifications).

NM_006379.5(SEMA3C):c.*2A>G

Gene: SEMA3C (semaphorin 3C; minus strand). Cytogenetic location: 7q21.11.
Variant type: single nucleotide variant.
Coding change: c.*2A>G on transcript NM_006379.5 (MANE Select); 2 bases downstream of the stop codon, A replaced by G.
Molecular consequence: 3 prime UTR variant.
Genome position (GRCh38, 1-based): chr7:80,744,892, T>C on the plus strand (A>G on the coding strand, the complement: SEMA3C is on the minus strand). VCF-style: chr7-80744892-T-C. GRCh37 (hg19) VCF-style: chr7-80374208-T-C.
Other names: c.*2A>G (NM_001350120.2, NM_001350121.2).
Identifiers: ClinVar variation 4980130 (VCV004980130.1).
Genomic context (GRCh38, chr7:80,744,892, plus strand): 5'-AAATTTGATCATTGAAGACAGAGCATTTGTTAATGGAAGCATAAGACCCACATAAGAAAA[T>C]ATTATGACTCTGGCAACTGATTCCTCCTGTTTCTACTTTTCCGACTATTGATGAGGGCCT-3'